The following is an entry in ClinVar:

NM_004836.7(EIF2AK3):c.556T>C (p.Tyr186His)

Gene: EIF2AK3 (eukaryotic translation initiation factor 2 alpha kinase 3; minus strand). Cytogenetic location: 2p11.2.
Variant type: single nucleotide variant.
Coding change: c.556T>C on transcript NM_004836.7 (MANE Select); coding-DNA position 556, T replaced by C.
Protein change: p.Tyr186His; replaces tyrosine 186 with histidine.
Molecular consequence: missense variant.
Genome position (GRCh38, 1-based): chr2:88,595,546, A>G on the plus strand (T>C on the coding strand, the complement: EIF2AK3 is on the minus strand). VCF-style: chr2-88595546-A-G. GRCh37 (hg19) VCF-style: chr2-88895064-A-G.
Other names: c.556T>C (NM_004836.5); c.103T>C, p.Tyr35His (NM_001313915.2); short protein forms Y186H, Y35H.
Identifiers: ClinVar variation 286375 (VCV000286375.11), dbSNP rs200991366, ClinGen allele CA1754900.

ClinVar aggregate classification (germline): Conflicting classifications of pathogenicity. Review status: criteria provided, conflicting classifications (1 of 4 stars). 5 submissions from 5 submitters: Uncertain significance (4); Likely benign (1). Last evaluated 2024-08-21.

Conditions:
Inborn genetic diseases. Identifiers: MedGen C0950123, MeSH D030342.
Wolcott-Rallison dysplasia. Also called: MED-IDDM SYNDROME; Wolcott-Rallison syndrome. Identifiers: Orphanet 1667, MedGen C0432217, MONDO:0009192, OMIM 226980.

Allele frequency attached by ClinVar (database versions not stated): ESP Exome Variant Server 0.00008; TOPMed 0.00008; ExAC 0.00012; gnomAD 0.00012; gnomAD exomes 0.00014 and 0.00016.

Submissions (5):

Ambry Genetics
Classification: Uncertain significance for Inborn genetic diseases. Last evaluated: 2024-08-21. Review status: criteria provided, single submitter. Criteria: Ambry Variant Classification Scheme 2023. Collection method: clinical testing. Allele origin: germline.

Fulgent Genetics
Classification: Likely benign for Wolcott-Rallison dysplasia. Last evaluated: 2024-04-17. Review status: criteria provided, single submitter. Criteria: ACMG Guidelines, 2015. Collection method: clinical testing. Allele origin: germline.

Labcorp Genetics (formerly Invitae), Labcorp
Classification: Uncertain significance. Last evaluated: 2022-09-07. Review status: criteria provided, single submitter. Criteria: Invitae Variant Classification Sherloc (09022015). Collection method: clinical testing. Allele origin: germline.
Comment: This sequence change replaces tyrosine, which is neutral and polar, with histidine, which is basic and polar, at codon 186 of the EIF2AK3 protein (p.Tyr186His). This variant is present in population databases (rs200991366, gnomAD 0.03%). This variant has not been reported in the literature in individuals affected with EIF2AK3-related conditions. ClinVar contains an entry for this variant (Variation ID: 286375). Algorithms developed to predict the effect of missense changes on protein structure and function (SIFT, PolyPhen-2, Align-GVGD) all suggest that this variant is likely to be tolerated. In summary, the available evidence is currently insufficient to determine the role of this variant in disease. Therefore, it has been classified as a Variant of Uncertain Significance.

Eurofins Ntd Llc (ga)
Classification: Uncertain significance. Last evaluated: 2016-03-02. Review status: criteria provided, single submitter. Criteria: EGL Classification Definitions 2015. Collection method: clinical testing. Allele origin: germline. Observed: 1 variant allele, 1 heterozygote.

Breakthrough Genomics
Classification: Uncertain significance. Review status: criteria provided, single submitter. Criteria: ACMG Guidelines, 2015. Collection method: not provided. Allele origin: germline. Inheritance: Autosomal recessive inheritance. Affected: yes.